The following is an entry in ClinVar:

ClinVar aggregate classification (germline): Uncertain significance (1 of 4 stars; one submission).

Submission:

Labcorp Genetics (formerly Invitae), Labcorp
Classification: Uncertain significance. Last evaluated: 2025-11-08. Review status: criteria provided, single submitter. Criteria: Invitae Variant Classification Sherloc (09022015). Collection method: clinical testing. Allele origin: germline.
Comment: This sequence change replaces leucine, which is neutral and non-polar, with arginine, which is basic and polar, at codon 148 of the GNPTG protein (p.Leu148Arg). This variant is not present in population databases (gnomAD no frequency). This variant has not been reported in the literature in individuals affected with GNPTG-related conditions. Invitae Evidence Modeling of protein sequence and biophysical properties (such as structural, functional, and spatial information, amino acid conservation, physicochemical variation, residue mobility, and thermodynamic stability) has been performed for this missense variant. However, the output from this modeling did not meet the statistical confidence thresholds required to predict the impact of this variant on GNPTG protein function. In summary, the available evidence is currently insufficient to determine the role of this variant in disease. Therefore, it has been classified as a Variant of Uncertain Significance.

NM_032520.5(GNPTG):c.443T>G (p.Leu148Arg)

Gene: GNPTG (N-acetylglucosamine-1-phosphate transferase subunit gamma; plus strand). Cytogenetic location: 16p13.3.
Variant type: single nucleotide variant.
Coding change: c.443T>G on transcript NM_032520.5 (MANE Select); coding-DNA position 443, T replaced by G.
Protein change: p.Leu148Arg; replaces leucine 148 with arginine.
Molecular consequence: missense variant.
Genome position (GRCh38, 1-based): chr16:1,362,237, T>G. VCF-style: chr16-1362237-T-G. GRCh37 (hg19) VCF-style: chr16-1412238-T-G.
Other names: short protein forms L148R.
Identifiers: ClinVar variation 4711757 (VCV004711757.1).